The following is an entry in ClinVar:

ClinVar aggregate classification (germline): Uncertain significance (1 of 4 stars; one submission).

Allele frequency attached by ClinVar (database versions not stated): gnomAD exomes below 0.00001; TOPMed below 0.00001; ExAC 0.00001.
gnomAD v4.1: 7 of 1,614,006 alleles (0.00043%); highest among the groups gnomAD compares: Middle Eastern, 0.051%; no homozygotes.

Submission:

Labcorp Genetics (formerly Invitae), Labcorp
Classification: Uncertain significance. Last evaluated: 2022-10-05. Review status: criteria provided, single submitter. Criteria: Invitae Variant Classification Sherloc (09022015). Collection method: clinical testing. Allele origin: germline.
Comment: This sequence change replaces isoleucine, which is neutral and non-polar, with valine, which is neutral and non-polar, at codon 777 of the ABCA4 protein (p.Ile777Val). This variant is present in population databases (rs759110306, gnomAD 0.002%). This variant has not been reported in the literature in individuals affected with ABCA4-related conditions. ClinVar contains an entry for this variant (Variation ID: 1044602). Advanced modeling of protein sequence and biophysical properties (such as structural, functional, and spatial information, amino acid conservation, physicochemical variation, residue mobility, and thermodynamic stability) performed at Invitae indicates that this missense variant is not expected to disrupt ABCA4 protein function. In summary, the available evidence is currently insufficient to determine the role of this variant in disease. Therefore, it has been classified as a Variant of Uncertain Significance.

NM_000350.3(ABCA4):c.2329A>G (p.Ile777Val)

Gene: ABCA4 (ATP binding cassette subfamily A member 4; minus strand). Cytogenetic location: 1p22.1.
Variant type: single nucleotide variant.
Coding change: c.2329A>G on transcript NM_000350.3 (MANE Select); coding-DNA position 2329, A replaced by G.
Protein change: p.Ile777Val; replaces isoleucine 777 with valine.
Molecular consequence: missense variant.
Genome position (GRCh38, 1-based): chr1:94,056,654, T>C on the plus strand (A>G on the coding strand, the complement: ABCA4 is on the minus strand). VCF-style: chr1-94056654-T-C. GRCh37 (hg19) VCF-style: chr1-94522210-T-C.
Other names: short protein forms I777V.
Identifiers: ClinVar variation 1044602 (VCV001044602.6), dbSNP rs759110306, ClinGen allele CA958306.